The following is an entry in ClinVar:

ClinVar aggregate classification (germline): Uncertain significance (1 of 4 stars; one submission).

Submission:

GeneDx
Classification: Uncertain significance. Last evaluated: 2022-01-13. Review status: criteria provided, single submitter. Criteria: GeneDx Variant Classification Process June 2021. Collection method: clinical testing. Allele origin: germline. Affected: yes.
Comment: Not observed at significant frequency in large population cohorts (gnomAD); In silico analysis supports that this missense variant does not alter protein structure/function; Has not been previously published as pathogenic or benign to our knowledge

NM_003047.5(SLC9A1):c.2352C>A (p.Asp784Glu)

Gene: SLC9A1 (solute carrier family 9 member A1; minus strand). Cytogenetic location: 1p36.11.
Variant type: single nucleotide variant.
Coding change: c.2352C>A on transcript NM_003047.5 (MANE Select); coding-DNA position 2352, C replaced by A.
Protein change: p.Asp784Glu; replaces aspartic acid 784 with glutamic acid.
Molecular consequence: missense variant. On other transcripts: non-coding transcript variant (1).
Genome position (GRCh38, 1-based): chr1:27,100,403, G>T on the plus strand (C>A on the coding strand, the complement: SLC9A1 is on the minus strand). VCF-style: chr1-27100403-G-T. GRCh37 (hg19) VCF-style: chr1-27426894-G-T.
Other names: short protein forms D784E.
Identifiers: ClinVar variation 1696919 (VCV001696919.2), dbSNP rs2124123678, ClinGen allele CA339176585.